The following is an entry in ClinVar:

NM_022049.3(GPR88):c.89G>A (p.Arg30Gln)

Gene: GPR88 (G protein-coupled receptor 88; plus strand). Cytogenetic location: 1p21.2.
Variant type: single nucleotide variant.
Coding change: c.89G>A on transcript NM_022049.3 (MANE Select); coding-DNA position 89, G replaced by A.
Protein change: p.Arg30Gln; replaces arginine 30 with glutamine.
Molecular consequence: missense variant.
Genome position (GRCh38, 1-based): chr1:100,539,055, G>A. VCF-style: chr1-100539055-G-A. GRCh37 (hg19) VCF-style: chr1-101004611-G-A.
Other names: c.89G>A (NM_022049.2); short protein forms R30Q.
Identifiers: ClinVar variation 1515674 (VCV001515674.7), dbSNP rs976622335, ClinGen allele CA28152789.

ClinVar aggregate classification (germline): Uncertain significance. Review status: criteria provided, multiple submitters, no conflicts (2 of 4 stars). 2 submissions from 2 submitters: Uncertain significance (2). Last evaluated 2025-02-26.

Allele frequency attached by ClinVar (database versions not stated): gnomAD 0.00003; TOPMed 0.00003.

Submissions (2):

Ambry Genetics
Classification: Uncertain significance. Last evaluated: 2025-02-26. Review status: criteria provided, single submitter. Criteria: Ambry Variant Classification Scheme 2023. Collection method: clinical testing. Allele origin: germline.

Labcorp Genetics (formerly Invitae), Labcorp
Classification: Uncertain significance. Last evaluated: 2023-07-07. Review status: criteria provided, single submitter. Criteria: Invitae Variant Classification Sherloc (09022015). Collection method: clinical testing. Allele origin: germline.
Comment: In summary, the available evidence is currently insufficient to determine the role of this variant in disease. Therefore, it has been classified as a Variant of Uncertain Significance. An algorithm developed to predict the effect of missense changes on protein structure and function (PolyPhen-2) suggests that this variant is likely to be tolerated. ClinVar contains an entry for this variant (Variation ID: 1515674). This variant has not been reported in the literature in individuals affected with GPR88-related conditions. This variant is present in population databases (no rsID available, gnomAD 0.001%). This sequence change replaces arginine, which is basic and polar, with glutamine, which is neutral and polar, at codon 30 of the GPR88 protein (p.Arg30Gln).